The following is an entry in ClinVar:

NM_001035.3(RYR2):c.5378A>C (p.Gln1793Pro)

Gene: RYR2 (ryanodine receptor 2; plus strand). Cytogenetic location: 1q43.
Variant type: single nucleotide variant.
Coding change: c.5378A>C on transcript NM_001035.3 (MANE Select); coding-DNA position 5378, A replaced by C.
Protein change: p.Gln1793Pro; replaces glutamine 1793 with proline.
Molecular consequence: missense variant.
Genome position (GRCh38, 1-based): chr1:237,614,506, A>C. VCF-style: chr1-237614506-A-C. GRCh37 (hg19) VCF-style: chr1-237777806-A-C.
Other names: short protein forms Q1793P.
Identifiers: ClinVar variation 4087967 (VCV004087967.1).
Genomic context (GRCh38, chr1:237,614,506, plus strand): 5'-ATGAATGTTACCAGTACAGTCCAGAGTTCCCACTGGACATCCTCAAGTCCAAAACCATAC[A>C]GATGCTGACAGAAGCTGTTAAAGAGGGCAGTCTTCATGCCCGGGACCCAGTTGGAGGGAC-3'
Protein context (NP_001026.2, residues 1783-1803): PLDILKSKTI[Gln1793Pro]MLTEAVKEGS

ClinVar aggregate classification (germline): Uncertain significance (1 of 4 stars; one submission).

Submission:

GeneDx
Classification: Uncertain significance. Last evaluated: 2025-03-28. Review status: criteria provided, single submitter. Criteria: GeneDx Variant Classification Process June 2021. Collection method: clinical testing. Allele origin: germline. Affected: yes.
Comment: Not observed at significant frequency in large population cohorts (gnomAD); In silico analysis supports that this missense variant has a deleterious effect on protein structure/function; Has not been previously published as pathogenic or benign to our knowledge; Not located in one of the three hot-spot regions of the RYR2 gene, where the majority of pathogenic missense variants occur (PMID: 19926015); This variant is associated with the following publications: (PMID: 19926015)